The following is an entry in ClinVar:

ClinVar aggregate classification (germline): Uncertain significance. Review status: criteria provided, multiple submitters, no conflicts (2 of 4 stars). 2 submissions from 2 submitters: Uncertain significance (2). Last evaluated 2025-04-17.

Conditions:
Pulmonary fibrosis and/or bone marrow failure, Telomere-related, 3. Also called: PULMONARY FIBROSIS AND/OR BONE MARROW FAILURE SYNDROME, TELOMERE-RELATED, 3. Identifiers: Orphanet 2032, MedGen C4225346, MONDO:0014613, OMIM 616373.
Dyskeratosis congenita, autosomal recessive 5 (DKCB5). Identifiers: MedGen C3554656, MONDO:0014076, OMIM 615190.
Inborn genetic diseases. Identifiers: MedGen C0950123, MeSH D030342.

Allele frequency attached by ClinVar (database versions not stated): gnomAD exomes below 0.00001.
gnomAD v4.1: 1 of 1,614,162 alleles (0.000062%); highest among the groups gnomAD compares: Non-Finnish European, 0.000085%; no homozygotes.

Submissions (2):

Ambry Genetics
Classification: Uncertain significance for Inborn genetic diseases. Last evaluated: 2025-04-17. Review status: criteria provided, single submitter. Criteria: Ambry Variant Classification Scheme 2023. Collection method: clinical testing. Allele origin: germline.
Comment: The p.K199E variant (also known as c.595A>G), located in coding exon 6 of the RTEL1 gene, results from an A to G substitution at nucleotide position 595. The lysine at codon 199 is replaced by glutamic acid, an amino acid with similar properties. This amino acid position is conserved. In addition, this alteration is predicted to be tolerated by in silico analysis. Based on the available evidence, the clinical significance of this variant remains unclear.

Labcorp Genetics (formerly Invitae), Labcorp
Classification: Uncertain significance for Dyskeratosis congenita, autosomal recessive 5; Pulmonary fibrosis and/or bone marrow failure, Telomere-related, 3. Last evaluated: 2022-03-26. Review status: criteria provided, single submitter. Criteria: Invitae Variant Classification Sherloc (09022015). Collection method: clinical testing. Allele origin: germline.
Comment: In summary, the available evidence is currently insufficient to determine the role of this variant in disease. Therefore, it has been classified as a Variant of Uncertain Significance. Algorithms developed to predict the effect of missense changes on protein structure and function are either unavailable or do not agree on the potential impact of this missense change (SIFT: "Deleterious"; PolyPhen-2: "Benign"; Align-GVGD: "Class C0"). ClinVar contains an entry for this variant (Variation ID: 650924). This variant has not been reported in the literature in individuals affected with RTEL1-related conditions. This variant is not present in population databases (gnomAD no frequency). This sequence change replaces lysine, which is basic and polar, with glutamic acid, which is acidic and polar, at codon 199 of the RTEL1 protein (p.Lys199Glu).

NM_001283009.2(RTEL1):c.595A>G (p.Lys199Glu)

Genes: RTEL1 (regulator of telomere elongation helicase 1; plus strand), RTEL1-TNFRSF6B (RTEL1-TNFRSF6B readthrough (NMD candidate); plus strand). Cytogenetic location: 20q13.33.
Variant type: single nucleotide variant.
Coding change: c.595A>G on transcript NM_001283009.2 (MANE Select); coding-DNA position 595, A replaced by G.
Protein change: p.Lys199Glu; replaces lysine 199 with glutamic acid.
Molecular consequence: missense variant. On other transcripts: non-coding transcript variant (1), 5 prime UTR variant (1).
Genome position (GRCh38, 1-based): chr20:63,666,060, A>G. VCF-style: chr20-63666060-A-G. GRCh37 (hg19) VCF-style: chr20-62297413-A-G.
Other names: c.-75A>G (NM_001283010.1); c.595A>G, p.Lys199Glu (NM_016434.4); c.667A>G, p.Lys223Glu (NM_032957.5); short protein forms K223E, K199E.
Identifiers: ClinVar variation 650924 (VCV000650924.10), dbSNP rs1601096259, ClinGen allele CA409670554.
Genomic context (GRCh38, chr20:63,666,060, plus strand): 5'-GCAGAAAAAAGCCTGGAGCAGGAGCTGGCCAGCCCCATCCTGGACATTGAGGACTTGGTC[A>G]AGAGCGGAAGCAAGCACAGGTGAGACCCCTCAGTGAGGCCACGACCACTGTCCTTCCATG-3'
Protein context (NP_001269938.1, residues 189-209): SPILDIEDLV[Lys199Glu]SGSKHRVCPY